The following is an entry in ClinVar:

ClinVar aggregate classification (germline): Uncertain significance. Review status: criteria provided, multiple submitters, no conflicts (2 of 4 stars). 2 submissions from 2 submitters: Uncertain significance (2). Last evaluated 2026-10-01.

Conditions:
Perlman syndrome (PRLMNS). Identifiers: Orphanet 2849, MedGen C0796113, MONDO:0009965, OMIM 267000.

Allele frequency attached by ClinVar (database versions not stated): gnomAD exomes below 0.00001; gnomAD 0.00001; TOPMed 0.00001.
gnomAD v4.1: 3 of 1,605,724 alleles (0.00019%); highest among the groups gnomAD compares: Non-Finnish European, 0.00025%; no homozygotes.

Submissions (2):

St. Jude Molecular Pathology, St. Jude Children's Research Hospital
Classification: Uncertain significance for Perlman syndrome. Last evaluated: 2026-10-01. Review status: criteria provided, single submitter. Criteria: St. Jude Assertion Criteria 2020. Collection method: clinical testing. Allele origin: germline.
Comment: The DIS3L2 c.2383A>G p.(Ile795Val) mis sense change has a maximum subpopulation frequency of 0.001% in gnomAD v2.1.1. The in silico tool REVEL predicts a benign effect on protein function, but to our knowledge this prediction has not been confirmed by func tional studies. To our knowledge, this variant has not been reported in individuals with DIS3L2-associated conditions. In summary, the evidence currently available is insufficient to determine the clinical significance of this variant. It has therefore been classified as of uncertain significance.

Labcorp Genetics (formerly Invitae), Labcorp
Classification: Uncertain significance for Perlman syndrome. Last evaluated: 2023-08-02. Review status: criteria provided, single submitter. Criteria: Invitae Variant Classification Sherloc (09022015). Collection method: clinical testing. Allele origin: germline.
Comment: ClinVar contains an entry for this variant (Variation ID: 1022953). Advanced modeling of protein sequence and biophysical properties (such as structural, functional, and spatial information, amino acid conservation, physicochemical variation, residue mobility, and thermodynamic stability) performed at Invitae indicates that this missense variant is not expected to disrupt DIS3L2 protein function. In summary, the available evidence is currently insufficient to determine the role of this variant in disease. Therefore, it has been classified as a Variant of Uncertain Significance. This variant has not been reported in the literature in individuals affected with DIS3L2-related conditions. The frequency data for this variant in the population databases is considered unreliable, as metrics indicate poor data quality at this position in the gnomAD database. This sequence change replaces isoleucine, which is neutral and non-polar, with valine, which is neutral and non-polar, at codon 795 of the DIS3L2 protein (p.Ile795Val).

NM_152383.5(DIS3L2):c.2383A>G (p.Ile795Val)

Gene: DIS3L2 (DIS3 like 3'-5' exoribonuclease 2; plus strand). Cytogenetic location: 2q37.1.
Variant type: single nucleotide variant.
Coding change: c.2383A>G on transcript NM_152383.5 (MANE Select); coding-DNA position 2383, A replaced by G.
Protein change: p.Ile795Val; replaces isoleucine 795 with valine.
Molecular consequence: missense variant. On other transcripts: non-coding transcript variant (2), intron variant (1).
Genome position (GRCh38, 1-based): chr2:232,334,724, A>G. VCF-style: chr2-232334724-A-G. GRCh37 (hg19) VCF-style: chr2-233199434-A-G.
Other names: c.2383A>G (NM_152383.4); c.1582-8621A>G (NM_001257281.2); short protein forms I795V.
Identifiers: ClinVar variation 1022953 (VCV001022953.9), dbSNP rs935260087, ClinGen allele CA66930863.
Genomic context (GRCh38, chr2:232,334,724, plus strand): 5'-ATGGGCATCCTGAAGCAAGCCTTCGACGTGCTGGTGCTGCGCTACGGCGTGCAGAAGCGC[A>G]TCTACTGCAACGTGAGTGCCCTGGGAGAGCCCGGGGGCGGGCAGGGCAGCCCAAGCCATC-3'
Protein context (NP_689596.4, residues 785-805): LVLRYGVQKR[Ile795Val]YCNALALRSH